The following is an entry in ClinVar:

ClinVar aggregate classification (germline): Uncertain significance (1 of 4 stars; one submission).

Conditions:
Immunodeficiency 36 with lymphoproliferation. Also called: ACTIVATED PI3K-DELTA SYNDROME 2; Activated PI3K Delta Syndrome Type 2 (APDS2); Immunodeficiency 36. Identifiers: Orphanet 397596, Orphanet 693681, MedGen C4014934, MONDO:0014453, OMIM 616005.
Agammaglobulinemia 7, autosomal recessive (AGM7). Also called: AGAMMAGLOBULINEMIA, AUTOSOMAL RECESSIVE, DUE TO PIK3R1 DEFECT. Identifiers: MedGen C3554689, MONDO:0014083, OMIM 615214.
SHORT syndrome. Also called: SHORT STATURE, HYPEREXTENSIBILITY, HERNIA, OCULAR DEPRESSION, RIEGER ANOMALY, AND TEETHING DELAY; PIK3R1-Related SHORT Syndrome; LIPODYSTROPHY, PARTIAL, WITH RIEGER ANOMALY AND SHORT STATURE. Identifiers: Orphanet 3163, MedGen C0878684, MONDO:0010026, OMIM 269880.

Submission:

Labcorp Genetics (formerly Invitae), Labcorp
Classification: Uncertain significance for SHORT syndrome; Immunodeficiency 36 with lymphoproliferation; Agammaglobulinemia 7, autosomal recessive. Last evaluated: 2025-04-23. Review status: criteria provided, single submitter. Criteria: Invitae Variant Classification Sherloc (09022015). Collection method: clinical testing. Allele origin: germline.
Comment: This variant occurs in a non-coding region of the PIK3R1 gene. It does not change the encoded amino acid sequence of the PIK3R1 protein. This variant is not present in population databases (gnomAD no frequency). This variant has not been reported in the literature in individuals affected with PIK3R1-related conditions. ClinVar contains an entry for this variant (Variation ID: 1059831). Experimental studies and prediction algorithms are not available or were not evaluated, and the functional significance of this variant is currently unknown. In summary, the available evidence is currently insufficient to determine the role of this variant in disease. Therefore, it has been classified as a Variant of Uncertain Significance.

NM_181523.3(PIK3R1):c.*1del (p.Ter725=)

Gene: PIK3R1 (phosphoinositide-3-kinase regulatory subunit 1; plus strand). Cytogenetic location: 5q13.1.
Variant type: Deletion.
Coding change: c.*1del on transcript NM_181523.3 (MANE Select); 1 bases downstream of the stop codon, one base deleted (A; older notation c.*1delA).
Protein change: p.Ter725=.
Molecular consequence: no sequence alteration.
Genome position (GRCh38, 1-based): chr5:68,297,602, A deleted; the last of 2 consecutive A bases (chr5:68,297,601-68,297,602); deleting either gives the same sequence. VCF-style (leftmost placement, unchanged base first): chr5-68297600-GA-G. GRCh37 (hg19) VCF-style: chr5-67593428-GA-G.
Other names: c.*1del, p.Ter362= (NM_001242466.2); c.*1del, p.Ter455= (NM_181504.4); c.*1del, p.Ter425= (NM_181524.2).
Identifiers: ClinVar variation 1059831 (VCV001059831.7), dbSNP rs1747800027, ClinGen allele CA1553407196.
Genomic context (GRCh38, chr5:68,297,600, plus strand): 5'-AGCACAACGACTCCCTCAATGTCACACTAGCCTACCCAGTATATGCACAGCAGAGGCGAT[GA>G]AGCGCTTACTCTTTGATCCTTCTCCTGAAGTTCAGCCACCCTGAGGCCTCTGGAAAGCAA-3'